The following is an entry in ClinVar:

ClinVar aggregate classification (germline): Conflicting classifications of pathogenicity. Review status: criteria provided, conflicting classifications (1 of 4 stars). 3 submissions from 3 submitters: Uncertain significance (2); Likely benign (1). Last evaluated 2026-01-14.

Conditions:
Inborn genetic diseases. Identifiers: MedGen C0950123, MeSH D030342.
Spastic paraplegia. Identifiers: MedGen C0037772, HP:0001258.

Allele frequency attached by ClinVar (database versions not stated): ExAC 0.00001; gnomAD exomes 0.00002; TOPMed 0.00002; gnomAD 0.00003.
gnomAD v4.1: 38 of 1,613,376 alleles (0.0024%); highest among the groups gnomAD compares: Non-Finnish European, 0.0032%; no homozygotes.

Submissions (3):

Labcorp Genetics (formerly Invitae), Labcorp
Classification: Likely benign for Spastic paraplegia. Last evaluated: 2026-01-14. Review status: criteria provided, single submitter. Criteria: Invitae Variant Classification Sherloc (09022015). Collection method: clinical testing. Allele origin: germline.

Ambry Genetics
Classification: Uncertain significance for Inborn genetic diseases. Last evaluated: 2025-06-24. Review status: criteria provided, single submitter. Criteria: Ambry Variant Classification Scheme 2023. Collection method: clinical testing. Allele origin: germline.

Athena Diagnostics
Classification: Uncertain significance. Last evaluated: 2024-10-29. Review status: criteria provided, single submitter. Criteria: Athena Diagnostics Criteria. Collection method: clinical testing. Allele origin: unknown.
Comment: Available data are insufficient to determine the clinical significance of the variant at this time. The frequency of this variant in the general population is uninformative in assessment of its pathogenicity. Polyphen and MutationTaster predict this amino acid change may be damaging to the protein.

NM_014363.6(SACS):c.9245G>A (p.Cys3082Tyr)

Gene: SACS (sacsin molecular chaperone; minus strand). Cytogenetic location: 13q12.12.
Variant type: single nucleotide variant.
Coding change: c.9245G>A on transcript NM_014363.6 (MANE Select); coding-DNA position 9245, G replaced by A.
Protein change: p.Cys3082Tyr; replaces cysteine 3082 with tyrosine.
Molecular consequence: missense variant.
Genome position (GRCh38, 1-based): chr13:23,334,631, C>T on the plus strand (G>A on the coding strand, the complement: SACS is on the minus strand). VCF-style: chr13-23334631-C-T. GRCh37 (hg19) VCF-style: chr13-23908770-C-T.
Other names: c.8804G>A, p.Cys2935Tyr (NM_001278055.2); short protein forms C2935Y, C3082Y.
Identifiers: ClinVar variation 1806988 (VCV001806988.8), dbSNP rs761695127, ClinGen allele CA6910645.
Genomic context (GRCh38, chr13:23,334,631, plus strand): 5'-AAAAAAGATCTGATATCAGCAGGGGTCACATAACTAACAGGAATATCTGCATCTATAAGA[C>T]AGTGGTAAAGATTAGCAGTTTCATCACAGTTATAAACCAAGTTGAAACCAATTTCTAAAA-3'
Protein context (NP_055178.3, residues 3072-3092): NCDETANLYH[Cys3082Tyr]LIDADIPVSY